The following is an entry in ClinVar:

NM_206933.4(USH2A):c.10328T>C (p.Met3443Thr)

Gene: USH2A (usherin; minus strand). Cytogenetic location: 1q41.
Variant type: single nucleotide variant.
Coding change: c.10328T>C on transcript NM_206933.4 (MANE Select); coding-DNA position 10328, T replaced by C.
Protein change: p.Met3443Thr; replaces methionine 3443 with threonine.
Molecular consequence: missense variant.
Genome position (GRCh38, 1-based): chr1:215,786,729, A>G on the plus strand (T>C on the coding strand, the complement: USH2A is on the minus strand). VCF-style: chr1-215786729-A-G. GRCh37 (hg19) VCF-style: chr1-215960071-A-G.
Other names: short protein forms M3443T.
Identifiers: ClinVar variation 1400562 (VCV001400562.6), dbSNP rs1661811672, ClinGen allele CA344839754.

ClinVar aggregate classification (germline): Uncertain significance. Review status: criteria provided, single submitter (1 of 4 stars). 2 submissions from 2 submitters: Uncertain significance (1). 1 of the submissions does not count toward it. Last evaluated 2025-07-10.

Conditions:
Retinal dystrophy. Also called: Inherited retinal dystrophy. Identifiers: Orphanet 71862, MedGen C0854723, MeSH D058499, MONDO:0019118, HP:0000556.

Allele frequency attached by ClinVar (database versions not stated): gnomAD exomes 0.00001.
gnomAD v4.1: 4 of 1,614,008 alleles (0.00025%); highest among the groups gnomAD compares: Non-Finnish European, 0.00034%; no homozygotes.

Submissions (2):

Labcorp Genetics (formerly Invitae), Labcorp
Classification: Uncertain significance. Last evaluated: 2025-07-10. Review status: criteria provided, single submitter. Criteria: Invitae Variant Classification Sherloc (09022015). Collection method: clinical testing. Allele origin: germline.
Comment: This sequence change replaces methionine, which is neutral and non-polar, with threonine, which is neutral and polar, at codon 3443 of the USH2A protein (p.Met3443Thr). This variant is not present in population databases (gnomAD no frequency). This variant has not been reported in the literature in individuals affected with USH2A-related conditions. ClinVar contains an entry for this variant (Variation ID: 1400562). Invitae Evidence Modeling of protein sequence and biophysical properties (such as structural, functional, and spatial information, amino acid conservation, physicochemical variation, residue mobility, and thermodynamic stability) indicates that this missense variant is not expected to disrupt USH2A protein function with a negative predictive value of 95%. In summary, the available evidence is currently insufficient to determine the role of this variant in disease. Therefore, it has been classified as a Variant of Uncertain Significance.

Institute of Human Genetics, Univ. Regensburg, Univ. Regensburg
Classification: Uncertain significance for Retinal dystrophy. Last evaluated: 2022-01-01. Review status: no assertion criteria provided. Criteria: ACMG Guidelines, 2015. Collection method: clinical testing. Allele origin: germline. Affected: yes. Not counted in ClinVar's aggregate classification.